The following is an entry in ClinVar:

NM_000587.4(C7):c.262C>T (p.Arg88Cys)

Gene: C7 (complement C7; plus strand). Cytogenetic location: 5p13.1.
Variant type: single nucleotide variant.
Coding change: c.262C>T on transcript NM_000587.4 (MANE Select); coding-DNA position 262, C replaced by T.
Protein change: p.Arg88Cys; replaces arginine 88 with cysteine.
Molecular consequence: missense variant.
Genome position (GRCh38, 1-based): chr5:40,934,448, C>T. VCF-style: chr5-40934448-C-T. GRCh37 (hg19) VCF-style: chr5-40934550-C-T.
Other names: c.262C>T (NM_000587.2); short protein forms R88C.
Identifiers: ClinVar variation 1462860 (VCV001462860.8), dbSNP rs192439696, ClinGen allele CA3249571.

ClinVar aggregate classification (germline): Uncertain significance. Review status: criteria provided, multiple submitters, no conflicts (2 of 4 stars). 2 submissions from 2 submitters: Uncertain significance (2). Last evaluated 2025-10-07.

Conditions:
Inborn genetic diseases. Identifiers: MedGen C0950123, MeSH D030342.

Allele frequency attached by ClinVar (database versions not stated): gnomAD exomes below 0.00001; TOPMed 0.00001; gnomAD 0.00001; ExAC 0.00001; 1000 Genomes Project 30x 0.00031.

Submissions (2):

Ambry Genetics
Classification: Uncertain significance for Inborn genetic diseases. Last evaluated: 2025-10-07. Review status: criteria provided, single submitter. Criteria: Ambry Variant Classification Scheme 2023. Collection method: clinical testing. Allele origin: germline.

Labcorp Genetics (formerly Invitae), Labcorp
Classification: Uncertain significance. Last evaluated: 2024-10-16. Review status: criteria provided, single submitter. Criteria: Invitae Variant Classification Sherloc (09022015). Collection method: clinical testing. Allele origin: germline.
Comment: This sequence change replaces arginine, which is basic and polar, with cysteine, which is neutral and slightly polar, at codon 88 of the C7 protein (p.Arg88Cys). The frequency data for this variant in the population databases is considered unreliable, as metrics indicate poor data quality at this position in the gnomAD database. This variant has not been reported in the literature in individuals affected with C7-related conditions. ClinVar contains an entry for this variant (Variation ID: 1462860). Invitae Evidence Modeling of protein sequence and biophysical properties (such as structural, functional, and spatial information, amino acid conservation, physicochemical variation, residue mobility, and thermodynamic stability) indicates that this missense variant is expected to disrupt C7 protein function with a positive predictive value of 80%. In summary, the available evidence is currently insufficient to determine the role of this variant in disease. Therefore, it has been classified as a Variant of Uncertain Significance.